The following is an entry in ClinVar:

NC_000016.9:g.(?_68842317)_(68867402_?)dup

Gene: CDH1 (cadherin 1; plus strand). Cytogenetic location: 16q22.1.
Variant type: Duplication.
Identifiers: ClinVar variation 1411162 (VCV001411162.5).

ClinVar aggregate classification (germline): Uncertain significance (1 of 4 stars; one submission).

Conditions:
Hereditary diffuse gastric adenocarcinoma (HDGC). Also called: DIFFUSE GASTRIC AND LOBULAR BREAST CANCER SYNDROME. Identifiers: Orphanet 26106, MedGen C1708349, MONDO:0007648, OMIM 137215.

Submission:

Labcorp Genetics (formerly Invitae), Labcorp
Classification: Uncertain significance for Hereditary diffuse gastric adenocarcinoma. Last evaluated: 2022-05-24. Review status: criteria provided, single submitter. Criteria: Invitae Variant Classification Sherloc (09022015). Collection method: clinical testing. Allele origin: germline.
Comment: This variant results in a copy number gain of the genomic region encompassing exon(s) 4-16 of the CDH1 gene. This region includes the termination codon of the gene. This copy number gain extends beyond the assayed region for this gene and therefore may encompass additional genes. As the precise location of this event is unknown, it may be in tandem or it may be located elsewhere in the genome. This variant has not been reported in the literature in individuals affected with CDH1-related conditions. Experimental studies and prediction algorithms are not available or were not evaluated, and the functional significance of this variant is currently unknown. In summary, the available evidence is currently insufficient to determine the role of this variant in disease. Therefore, it has been classified as a Variant of Uncertain Significance.